The following is an entry in ClinVar:

NM_000051.4(ATM):c.6425C>T (p.Thr2142Ile)

Genes: ATM (ATM serine/threonine kinase; plus strand), C11orf65 (chromosome 11 open reading frame 65; minus strand). Cytogenetic location: 11q22.3.
Variant type: single nucleotide variant.
Coding change: c.6425C>T on transcript NM_000051.4 (MANE Select); coding-DNA position 6425, C replaced by T.
Protein change: p.Thr2142Ile; replaces threonine 2142 with isoleucine.
Molecular consequence: missense variant. On other transcripts: intron variant (2).
Genome position (GRCh38, 1-based): chr11:108,320,031, C>T. VCF-style: chr11-108320031-C-T. GRCh37 (hg19) VCF-style: chr11-108190758-C-T.
Other names: c.6425C>T, p.Thr2142Ile (NM_001351834.2); c.641-10960G>A (NM_001330368.2); c.*39-10960G>A (NM_001351110.2); short protein forms T2142I.
Identifiers: ClinVar variation 935475 (VCV000935475.10), dbSNP rs1809463261, ClinGen allele CA382553517.

ClinVar aggregate classification (germline): Uncertain significance (1 of 4 stars; one submission).

Conditions:
Ataxia-telangiectasia syndrome (AT). Also called: Ataxia-telangiectasia, complementation group D; AT, COMPLEMENTATION GROUP C; ATAXIA-TELANGIECTASIA, COMPLEMENTATION GROUP A; ATAXIA-TELANGIECTASIA, FRESNO VARIANT; Ataxia-telangiectasia; Ataxia telangiectasia (A-T). Identifiers: Orphanet 100, MedGen C0004135, MONDO:0008840, OMIM 208900.

Allele frequency attached by ClinVar (database versions not stated): TOPMed below 0.00001.

Submission:

Labcorp Genetics (formerly Invitae), Labcorp
Classification: Uncertain significance for Ataxia-telangiectasia syndrome. Last evaluated: 2022-06-22. Review status: criteria provided, single submitter. Criteria: Invitae Variant Classification Sherloc (09022015). Collection method: clinical testing. Allele origin: germline.
Comment: This sequence change replaces threonine, which is neutral and polar, with isoleucine, which is neutral and non-polar, at codon 2142 of the ATM protein (p.Thr2142Ile). This variant is not present in population databases (gnomAD no frequency). This variant has not been reported in the literature in individuals affected with ATM-related conditions. ClinVar contains an entry for this variant (Variation ID: 935475). Advanced modeling of protein sequence and biophysical properties (such as structural, functional, and spatial information, amino acid conservation, physicochemical variation, residue mobility, and thermodynamic stability) performed at Invitae indicates that this missense variant is not expected to disrupt ATM protein function. In summary, the available evidence is currently insufficient to determine the role of this variant in disease. Therefore, it has been classified as a Variant of Uncertain Significance.